The following is an entry in ClinVar:

NM_002878.4(RAD51D):c.346-3dup

Genes: RAD51L3-RFFL (RAD51L3-RFFL readthrough; minus strand), RAD51D (RAD51 paralog D; minus strand). Cytogenetic location: 17q12.
Variant type: Duplication.
Coding change: c.346-3dup on transcript NM_002878.4 (MANE Select); 3 bases into the intron before coding-DNA position 346, one base duplicated (C; older notation c.346-3dupC).
Molecular consequence: intron variant.
Genome position (GRCh38, 1-based): chr17:35,107,125, G duplicated on the plus strand (C on the coding strand, the reverse complement: RAD51D is on the minus strand); the first of 5 consecutive G bases (chr17:35,107,125-35,107,129); duplicating any one gives the same sequence. VCF-style (leftmost placement, unchanged base first): chr17-35107124-T-TG. GRCh37 (hg19) VCF-style: chr17-33434143-T-TG.
Other names: c.145-644dup (NM_133629.3); c.406-3dup (NM_001142571.2).
Identifiers: ClinVar variation 3904302 (VCV003904302.1).

ClinVar aggregate classification (germline): Likely benign (1 of 4 stars; one submission).

Conditions:
Breast-ovarian cancer, familial, susceptibility to, 4. Identifiers: Orphanet 145, MedGen C3280345, MONDO:0013669, OMIM 614291.

Submission:

Myriad Genetics, Inc.
Classification: Likely benign for Breast-ovarian cancer, familial, susceptibility to, 4. Last evaluated: 2025-02-21. Review status: criteria provided, single submitter. Criteria: Myriad Autosomal Dominant, Autosomal Recessive and X-Linked Classification Criteria (2023). Collection method: clinical testing. Allele origin: unknown.
Comment: This variant is considered likely benign. This variant is intronic and is not expected to impact mRNA splicing.